The following is an entry in ClinVar:

NM_001276270.2(MBD4):c.1638G>T (p.Glu546Asp)

Gene: MBD4 (methyl-CpG binding domain 4, DNA glycosylase; minus strand). Cytogenetic location: 3q21.3.
Variant type: single nucleotide variant.
Coding change: c.1638G>T on transcript NM_001276270.2 (MANE Select); coding-DNA position 1638, G replaced by T.
Protein change: p.Glu546Asp; replaces glutamic acid 546 with aspartic acid.
Molecular consequence: missense variant. On other transcripts: intron variant (1).
Genome position (GRCh38, 1-based): chr3:129,432,512, C>A on the plus strand (G>T on the coding strand, the complement: MBD4 is on the minus strand). VCF-style: chr3-129432512-C-A. GRCh37 (hg19) VCF-style: chr3-129151355-C-A.
Other names: c.1656G>T, p.Glu552Asp (NM_001276271.2, NM_003925.3); c.702G>T, p.Glu234Asp (NM_001276273.2); c.1612+44G>T (NM_001276272.2); short protein forms E552D, E546D, E234D.
Identifiers: ClinVar variation 3543751 (VCV003543751.1).

ClinVar aggregate classification (germline): Uncertain significance (1 of 4 stars; one submission).

Conditions:
Inborn genetic diseases. Identifiers: MedGen C0950123, MeSH D030342.

gnomAD v4.1: 1 of 1,614,224 alleles (0.000062%); highest among the groups gnomAD compares: Non-Finnish European, 0.000085%; no homozygotes.

Submission:

Ambry Genetics
Classification: Uncertain significance for Inborn genetic diseases. Last evaluated: 2024-10-02. Review status: criteria provided, single submitter. Criteria: Ambry Variant Classification Scheme 2023. Collection method: clinical testing. Allele origin: germline.
Comment: The p.E546D variant (also known as c.1638G>T), located in coding exon 7 of the MBD4 gene, results from a G to T substitution at nucleotide position 1638. The glutamic acid at codon 546 is replaced by aspartic acid, an amino acid with highly similar properties. This amino acid position is conserved. In addition, this alteration is predicted to be tolerated by in silico analysis. Based on the available evidence, the clinical significance of this variant remains unclear.